The following is an entry in ClinVar:

ClinVar aggregate classification (germline): Uncertain significance. Review status: criteria provided, multiple submitters, no conflicts (2 of 4 stars). 2 submissions from 2 submitters: Uncertain significance (2). Last evaluated 2025-03-24.

Conditions:
Hereditary cancer-predisposing syndrome. Also called: Tumor predisposition; Hereditary neoplastic syndrome; Neoplastic Syndromes, Hereditary; Hereditary Cancer Syndrome. Identifiers: Orphanet 140162, MedGen C0027672, MeSH D009386, MONDO:0015356.
Renal cell carcinoma. Identifiers: Orphanet 217071, MedGen C0007134, MeSH D002292, MONDO:0005086, HP:0005584.

Allele frequency attached by ClinVar (database versions not stated): gnomAD exomes below 0.00001.
gnomAD v4.1: 3 of 1,614,226 alleles (0.00019%); highest among the groups gnomAD compares: South Asian, 0.0011%; no homozygotes.

Submissions (2):

Ambry Genetics
Classification: Uncertain significance for Hereditary cancer-predisposing syndrome. Last evaluated: 2025-03-24. Review status: criteria provided, single submitter. Criteria: Ambry Variant Classification Scheme 2023. Collection method: clinical testing. Allele origin: germline.
Comment: The p.I1071V variant (also known as c.3211A>G), located in coding exon 14 of the MET gene, results from an A to G substitution at nucleotide position 3211. The isoleucine at codon 1071 is replaced by valine, an amino acid with highly similar properties. This amino acid position is highly conserved in available vertebrate species. In addition, the in silico prediction for this alteration is inconclusive. Based on the available evidence, the clinical significance of this variant remains unclear.

Labcorp Genetics (formerly Invitae), Labcorp
Classification: Uncertain significance for Renal cell carcinoma. Last evaluated: 2024-11-07. Review status: criteria provided, single submitter. Criteria: Invitae Variant Classification Sherloc (09022015). Collection method: clinical testing. Allele origin: germline.
Comment: This sequence change replaces isoleucine, which is neutral and non-polar, with valine, which is neutral and non-polar, at codon 1071 of the MET protein (p.Ile1071Val). This variant is not present in population databases (gnomAD no frequency). This variant has not been reported in the literature in individuals affected with MET-related conditions. ClinVar contains an entry for this variant (Variation ID: 952798). Invitae Evidence Modeling of protein sequence and biophysical properties (such as structural, functional, and spatial information, amino acid conservation, physicochemical variation, residue mobility, and thermodynamic stability) indicates that this missense variant is not expected to disrupt MET protein function with a negative predictive value of 80%. In summary, the available evidence is currently insufficient to determine the role of this variant in disease. Therefore, it has been classified as a Variant of Uncertain Significance.

NM_000245.4(MET):c.3157A>G (p.Ile1053Val)

Gene: MET (MET proto-oncogene, receptor tyrosine kinase; plus strand). Cytogenetic location: 7q31.2.
Variant type: single nucleotide variant.
Coding change: c.3157A>G on transcript NM_000245.4 (MANE Select); coding-DNA position 3157, A replaced by G.
Protein change: p.Ile1053Val; replaces isoleucine 1053 with valine.
Molecular consequence: missense variant.
Genome position (GRCh38, 1-based): chr7:116,775,009, A>G. VCF-style: chr7-116775009-A-G. GRCh37 (hg19) VCF-style: chr7-116415063-A-G.
Other names: c.3211A>G, p.Ile1071Val (NM_001127500.3); c.1867A>G, p.Ile623Val (NM_001324402.2); short protein forms I1071V, I1053V, I623V.
Identifiers: ClinVar variation 952798 (VCV000952798.12), dbSNP rs1278254320, ClinGen allele CA368988394.